The following is an entry in ClinVar:

ClinVar aggregate classification (germline): Uncertain significance. Review status: criteria provided, multiple submitters, no conflicts (2 of 4 stars). 2 submissions from 2 submitters: Uncertain significance (2). Last evaluated 2025-10-22.

Conditions:
Inborn genetic diseases. Identifiers: MedGen C0950123, MeSH D030342.

Submissions (2):

Ambry Genetics
Classification: Uncertain significance for Inborn genetic diseases. Last evaluated: 2025-10-22. Review status: criteria provided, single submitter. Criteria: Ambry Variant Classification Scheme 2023. Collection method: clinical testing. Allele origin: germline.
Comment: The c.4123C>T (p.R1375W) alteration is located in exon 25 (coding exon 25) of the POLR2A gene. This alteration results from a C to T substitution at nucleotide position 4123, causing the arginine (R) at amino acid position 1375 to be replaced by a tryptophan (W). This variant was not reported in population-based cohorts in the Genome Aggregation Database (gnomAD). This amino acid position is highly conserved in available vertebrate species. This alteration is predicted to be deleterious by in silico analysis. Based on insufficient or conflicting evidence, the clinical significance of this alteration remains unclear.

GeneDx
Classification: Uncertain significance. Last evaluated: 2022-12-15. Review status: criteria provided, single submitter. Criteria: GeneDx Variant Classification Process June 2021. Collection method: clinical testing. Allele origin: germline. Affected: yes.
Comment: Not observed at significant frequency in large population cohorts (gnomAD); In silico analysis supports that this missense variant has a deleterious effect on protein structure/function; Has not been previously published as pathogenic or benign to our knowledge

NM_000937.5(POLR2A):c.4123C>T (p.Arg1375Trp)

Genes: POLR2A (RNA polymerase II subunit A; plus strand), LOC126862482 (CDK7 strongly-dependent group 2 enhancer GRCh37_chr17:7414586-7415785; plus strand). Cytogenetic location: 17p13.1.
Variant type: single nucleotide variant.
Coding change: c.4123C>T on transcript NM_000937.5 (MANE Select); coding-DNA position 4123, C replaced by T.
Protein change: p.Arg1375Trp; replaces arginine 1375 with tryptophan.
Molecular consequence: missense variant.
Genome position (GRCh38, 1-based): chr17:7,511,832, C>T. VCF-style: chr17-7511832-C-T. GRCh37 (hg19) VCF-style: chr17-7415151-C-T.
Other names: short protein forms R1375W.
Identifiers: ClinVar variation 2505781 (VCV002505781.2), dbSNP rs2070711079, ClinGen allele CA397822245.